The following is an entry in ClinVar:

ClinVar aggregate classification (germline): Likely benign. Review status: criteria provided, multiple submitters, no conflicts (2 of 4 stars). 2 submissions from 2 submitters: Likely benign (2). Last evaluated 2024-09-01.

Conditions:
Microcephaly, normal intelligence and immunodeficiency (NBS). Also called: Nijmegen breakage syndrome; Microcephaly with normal intelligence immunodeficiency and lymphoreticular malignancies; Nonsyndromal microcephaly autosomal recessive with normal intelligence; Seemanova syndrome 2; Ataxia telangiectasia variant V1; BERLIN BREAKAGE SYNDROME. Identifiers: Orphanet 647, MedGen C0398791, MONDO:0009623, OMIM 251260.

Allele frequency attached by ClinVar (database versions not stated): gnomAD exomes below 0.00001; TOPMed below 0.00001; gnomAD 0.00001.
gnomAD v4.1: 4 of 1,609,764 alleles (0.00025%); highest among the groups gnomAD compares: Non-Finnish European, 0.00034%; no homozygotes.

Submissions (2):

Labcorp Genetics (formerly Invitae), Labcorp
Classification: Likely benign for Microcephaly, normal intelligence and immunodeficiency. Last evaluated: 2024-09-01. Review status: criteria provided, single submitter. Criteria: Invitae Variant Classification Sherloc (09022015). Collection method: clinical testing. Allele origin: germline.

GeneDx
Classification: Likely benign. Last evaluated: 2017-08-21. Review status: criteria provided, single submitter. Criteria: GeneDx Variant Classification (06012015). Collection method: clinical testing. Allele origin: germline. Affected: yes.
Comment: This variant is considered likely benign or benign based on one or more of the following criteria: it is a conservative change, it occurs at a poorly conserved position in the protein, it is predicted to be benign by multiple in silico algorithms, and/or has population frequency not consistent with disease.

NM_002485.5(NBN):c.2185-15T>C

Gene: NBN (nibrin; minus strand). Cytogenetic location: 8q21.3.
Variant type: single nucleotide variant.
Coding change: c.2185-15T>C on transcript NM_002485.5 (MANE Select); 15 bases into the intron before coding-DNA position 2185, T replaced by C.
Molecular consequence: intron variant.
Genome position (GRCh38, 1-based): chr8:89,937,090, A>G on the plus strand (T>C on the coding strand, the complement: NBN is on the minus strand). VCF-style: chr8-89937090-A-G. GRCh37 (hg19) VCF-style: chr8-90949318-A-G.
Other names: c.1939-15T>C (NM_001024688.3).
Identifiers: ClinVar variation 511606 (VCV000511606.6), dbSNP rs1259580674, ClinGen allele CA461836533.
Genomic context (GRCh38, chr8:89,937,090, plus strand): 5'-AAAGATCATCAGCAAGAGACTCTTCTTTTGCATGTTGATTTTGTACCTGTCAAAATTAAC[A>G]TAATTTCAAACATTTGCTCAGTGGTGAATATATAGTTAATGAATTGCTATAGTGATAGGT-3'